The following is an entry in ClinVar:

NM_006904.7(PRKDC):c.503A>T (p.Asp168Val)

Gene: PRKDC (protein kinase, DNA-activated, catalytic subunit; minus strand). Cytogenetic location: 8q11.21.
Variant type: single nucleotide variant.
Coding change: c.503A>T on transcript NM_006904.7 (MANE Select); coding-DNA position 503, A replaced by T.
Protein change: p.Asp168Val; replaces aspartic acid 168 with valine.
Molecular consequence: missense variant.
Genome position (GRCh38, 1-based): chr8:47,954,343, T>A on the plus strand (A>T on the coding strand, the complement: PRKDC is on the minus strand). VCF-style: chr8-47954343-T-A. GRCh37 (hg19) VCF-style: chr8-48866903-T-A.
Other names: c.503A>T, p.Asp168Val (NM_001081640.2); short protein forms D168V.
Identifiers: ClinVar variation 3225868 (VCV003225868.1), dbSNP rs2551881901, ClinGen allele CA371139001.

ClinVar aggregate classification (germline): Uncertain significance (1 of 4 stars; one submission).

Submission:

Ambry Genetics
Classification: Uncertain significance. Last evaluated: 2023-12-08. Review status: criteria provided, single submitter. Criteria: Ambry Variant Classification Scheme 2023. Collection method: clinical testing. Allele origin: germline.
Comment: The p.D168V variant (also known as c.503A>T), located in coding exon 5 of the PRKDC gene, results from an A to T substitution at nucleotide position 503. The aspartic acid at codon 168 is replaced by valine, an amino acid with highly dissimilar properties. This amino acid position is conserved. In addition, the in silico prediction for this alteration is inconclusive. Since supporting evidence is limited at this time, the clinical significance of this alteration remains unclear.